The following is an entry in ClinVar:

NM_007118.4(TRIO):c.7095G>C (p.Lys2365Asn)

Gene: TRIO (trio Rho guanine nucleotide exchange factor; plus strand). Cytogenetic location: 5p15.2.
Variant type: single nucleotide variant.
Coding change: c.7095G>C on transcript NM_007118.4 (MANE Select); coding-DNA position 7095, G replaced by C.
Protein change: p.Lys2365Asn; replaces lysine 2365 with asparagine.
Molecular consequence: missense variant. On other transcripts: non-coding transcript variant (1).
Genome position (GRCh38, 1-based): chr5:14,487,723, G>C. VCF-style: chr5-14487723-G-C. GRCh37 (hg19) VCF-style: chr5-14487832-G-C.
Other names: short protein forms K2365N.
Identifiers: ClinVar variation 2503116 (VCV002503116.1), dbSNP rs769110926, ClinGen allele CA359236796.

ClinVar aggregate classification (germline): Uncertain significance (1 of 4 stars; one submission).

gnomAD v4.1: 1 of 1,439,870 alleles (0.000069%); highest among the groups gnomAD compares: Admixed American, 0.0023%; no homozygotes.

Submission:

GeneDx
Classification: Uncertain significance. Last evaluated: 2022-11-28. Review status: criteria provided, single submitter. Criteria: GeneDx Variant Classification Process June 2021. Collection method: clinical testing. Allele origin: germline. Affected: yes.
Comment: Not observed at significant frequency in large population cohorts (gnomAD); In silico analysis supports that this missense variant does not alter protein structure/function; Has not been previously published as pathogenic or benign to our knowledge